The following is an entry in ClinVar:

NM_000441.2(SLC26A4):c.2127del (p.Phe709fs)

Genes: SLC26A4 (solute carrier family 26 member 4; plus strand), LOC123956210 (Sharpr-MPRA regulatory region 3291; plus strand). Cytogenetic location: 7q22.3.
Variant type: Deletion.
Coding change: c.2127del on transcript NM_000441.2 (MANE Select); coding-DNA position 2127, one base deleted (T; older notation c.2127delT).
Protein change: p.Phe709fs; shifts the reading frame from phenylalanine 709.
Molecular consequence: frameshift variant.
Genome position (GRCh38, 1-based): chr7:107,710,091, T deleted; the last of 3 consecutive T bases (chr7:107,710,089-107,710,091); deleting any one gives the same sequence. VCF-style (leftmost placement, unchanged base first): chr7-107710088-CT-C. GRCh37 (hg19) VCF-style: chr7-107350533-CT-C.
Other names: c.2127del (NM_000441.1); short protein forms F709fs.
Identifiers: ClinVar variation 188869 (VCV000188869.25), dbSNP rs786204523, ClinGen allele CA274062.

ClinVar aggregate classification (germline): Pathogenic/Likely pathogenic. Review status: criteria provided, multiple submitters, no conflicts (2 of 4 stars). 9 submissions from 9 submitters: Pathogenic (7); Likely pathogenic (1). 1 of the submissions does not count toward it. Last evaluated 2025-12-22.

Conditions:
SLC26A4-related disorder. Also called: SLC26A4-related condition; SLC26A4-related disorders.
Pendred syndrome (PDS). Also called: THYROID DYSHORMONOGENESIS 2B; THYROID HORMONOGENESIS, GENETIC DEFECT IN, 2B; DEAFNESS WITH GOITER; GOITER-DEAFNESS SYNDROME; HYPOTHYROIDISM, CONGENITAL, DUE TO DYSHORMONOGENESIS, 2B; Pendred's syndrome. Identifiers: Orphanet 705, MedGen C0271829, MONDO:0010134, OMIM 274600.
Autosomal recessive nonsyndromic hearing loss 4 (DFNB4). Also called: Nonsyndromic enlarged vestibular aqueduct (NSEVA); NEUROSENSORY NONSYNDROMIC RECESSIVE DEAFNESS 4; Deafness, autosomal recessive 4, with enlarged vestibular aqueduct; Deafness, autosomal recessive 4; Enlarged vestibular aqueduct, digenic; FOXI1-Related Pendred Syndrome. Identifiers: Orphanet 90636, MedGen C3538946, MONDO:0010933, OMIM 600791.

Submissions (9):

Natera, Inc.
Classification: Pathogenic for Pendred syndrome. Last evaluated: 2025-12-22. Review status: criteria provided, single submitter. Criteria: Natera Variant Classification Schema (03/2026). Collection method: clinical testing. Allele origin: germline.
Comment: The c.2127delT variant in SLC26A4 is a frameshift variant predicted to shift the reading frame beginning at codon 709 and leads to a stop codon 12 codons downstream. This variant is expected to result in nonsense mediated decay, truncation, or a dysfunctional protein product. This variant is rare in the general population with a frequency below the threshold expected for the associated phenotype(s). This variant has been observed in one or more individuals affected with the associated recessive disease, as either homozygous or compound heterozygous with a second variant (PMID: 23336812). Given the available evidence, this variant is classified as Pathogenic.

GeneDx
Classification: Pathogenic. Last evaluated: 2025-10-11. Review status: criteria provided, single submitter. Criteria: GeneDx Variant Classification Process June 2021. Collection method: clinical testing. Allele origin: germline. Affected: yes.
Comment: Frameshift variant predicted to result in protein truncation or nonsense mediated decay in a gene for which loss of function is a known mechanism of disease; Not observed at significant frequency in large population cohorts (gnomAD); This variant is associated with the following publications: (PMID: 24224479, 33199029, 9618167, 23336812, 15355436, 16570074)

PreventionGenetics, part of Exact Sciences
Classification: Pathogenic for SLC26A4-related condition. Last evaluated: 2025-09-26. Review status: criteria provided, single submitter. Criteria: ACMG Guidelines, 2015. Collection method: clinical testing. Allele origin: germline.
Comment: The SLC26A4 c.2127delT variant is predicted to result in a frameshift and premature protein termination (p.Phe709Leufs*12). This variant was reported in multiple individuals with Pendred syndrome along with a second pathogenic variant (For example: Table 3. Ladsous et al. 2014. PubMed ID: 24224479; Table 1. Blons et al. 2004. PubMed ID: 15355436; Table 1. Rendtorff et al. 2013. PubMed ID: 23336812). This variant is reported in 0.0018% of alleles in individuals of European (Non-Finnish) descent in gnomAD. Frameshift variants in SLC26A4 are expected to be pathogenic. This variant is interpreted as pathogenic.

Labcorp Genetics (formerly Invitae), Labcorp
Classification: Pathogenic. Last evaluated: 2025-08-17. Review status: criteria provided, single submitter. Criteria: Invitae Variant Classification Sherloc (09022015). Collection method: clinical testing. Allele origin: germline.
Comment: This sequence change creates a premature translational stop signal (p.Phe709Leufs*12) in the SLC26A4 gene. It is expected to result in an absent or disrupted protein product. Loss-of-function variants in SLC26A4 are known to be pathogenic (PMID: 16283880, 25394566, 26252218, 26445815). This variant is present in population databases (rs558570919, gnomAD 0.002%). This premature translational stop signal has been observed in individuals with Pendred syndrome (PMID: 9618167, 24224479). It has also been observed to segregate with disease in related individuals. ClinVar contains an entry for this variant (Variation ID: 188869). For these reasons, this variant has been classified as Pathogenic.

Fulgent Genetics
Classification: Pathogenic for Pendred syndrome; Autosomal recessive nonsyndromic hearing loss 4. Last evaluated: 2024-05-02. Review status: criteria provided, single submitter. Criteria: ACMG Guidelines, 2015. Collection method: clinical testing. Allele origin: germline.

Baylor Genetics
Classification: Pathogenic for Autosomal recessive nonsyndromic hearing loss 4. Last evaluated: 2024-03-10. Review status: criteria provided, single submitter. Criteria: ACMG Guidelines, 2015. Collection method: clinical testing. Allele origin: unknown.

Genome-Nilou Lab
Classification: Likely pathogenic for Pendred syndrome. Last evaluated: 2021-09-05. Review status: criteria provided, single submitter. Criteria: ACMG Guidelines, 2015. Collection method: clinical testing. Allele origin: germline. Affected: no.

Blueprint Genetics
Classification: Pathogenic for SLC26A4-related disorders. Last evaluated: 2017-12-01. Review status: criteria provided, single submitter. Criteria: ACMG Guidelines, 2015. Collection method: clinical testing. Allele origin: germline. Affected: yes. Observed: 3 variant alleles.

Counsyl
Classification: Likely pathogenic for Pendred's syndrome. Last evaluated: 2014-07-08. Review status: no assertion criteria provided. Collection method: literature only. Allele origin: unknown. Inheritance: Autosomal recessive inheritance. Not counted in ClinVar's aggregate classification.

Literature cited by the submitters: PubMed 23336812 (cited by Natera, Inc. and Counsyl); PubMed 16283880 (cited by Labcorp Genetics (formerly Invitae), Labcorp); PubMed 25394566 (cited by Labcorp Genetics (formerly Invitae), Labcorp); PubMed 26252218 (cited by Labcorp Genetics (formerly Invitae), Labcorp); PubMed 26445815 (cited by Labcorp Genetics (formerly Invitae), Labcorp); PubMed 9618167 (cited by Labcorp Genetics (formerly Invitae), Labcorp and Counsyl); PubMed 24224479 (cited by Labcorp Genetics (formerly Invitae), Labcorp and Counsyl); PubMed 16570074 (cited by Counsyl); PubMed 15355436 (cited by Counsyl).